The following is an entry in ClinVar:

NM_000038.6(APC):c.2991_2996del (p.Tyr997_Gln999delinsTer)

Gene: APC (APC regulator of Wnt signaling pathway; plus strand). Cytogenetic location: 5q22.2.
Variant type: Deletion.
Coding change: c.2991_2996del on transcript NM_000038.6 (MANE Select); coding-DNA positions 2991 to 2996, 6 bases deleted (TGGTCA; older notation c.2991_2996delTGGTCA).
Protein change: p.Tyr997_Gln999delinsTer.
Molecular consequence: nonsense.
Genome position (GRCh38, 1-based): chr5:112,838,585-112,838,590, TGGTCA deleted; deleting any 6 consecutive bases within chr5:112,838,584-112,838,590 gives the same sequence; the c. name uses the placement nearest the transcript's 3' end. VCF-style (leftmost placement, unchanged base first): chr5-112838583-TATGGTC-T. GRCh37 (hg19) VCF-style: chr5-112174280-TATGGTC-T.
Other names: c.2991_2996del, p.Tyr997_Gln999delinsTer (NM_001127510.3, NM_001354895.2); c.2937_2942del, p.Tyr979_Gln981delinsTer (NM_001127511.3); c.3045_3050del, p.Tyr1015_Gln1017delinsTer (NM_001354896.2); c.3021_3026del, p.Tyr1007_Gln1009delinsTer (NM_001354897.2); c.2916_2921del, p.Tyr972_Gln974delinsTer (NM_001354898.2); c.2907_2912del, p.Tyr969_Gln971delinsTer (NM_001354899.2); c.2868_2873del, p.Tyr956_Gln958delinsTer (NM_001354900.2); c.2814_2819del, p.Tyr938_Gln940delinsTer (NM_001354901.2); and 5 more.
Identifiers: ClinVar variation 428115 (VCV000428115.5), dbSNP rs1114167562, ClinGen allele CA645369365.

ClinVar aggregate classification (germline): Pathogenic (1 of 4 stars; one submission).

Conditions:
Hereditary cancer-predisposing syndrome. Also called: Hereditary Cancer Syndrome; Neoplastic Syndromes, Hereditary; Hereditary neoplastic syndrome; Tumor predisposition. Identifiers: Orphanet 140162, MedGen C0027672, MeSH D009386, MONDO:0015356.

Submission:

Ambry Genetics
Classification: Pathogenic for Hereditary cancer-predisposing syndrome. Last evaluated: 2014-08-07. Review status: criteria provided, single submitter. Criteria: Ambry Variant Classification Scheme 2023. Collection method: clinical testing. Allele origin: germline.
Comment: The c.2991_2996delTGGTCA pathogenic mutation, located in coding exon 15 of the APC gene, results from a deletion of six nucleotides between positions 2991 and 2996. The resulting translational frameshift changes the amino acid at codon 997 from a tyrosine to a stop codon. Since frameshifts and premature stop codons are typically deleterious in nature, this alteration is interpreted as a disease-causing mutation (ACMG Recommendations for Standards for Interpretation and Reporting of Sequence Variations. Revision 2007. Genet Med. 2008;10:294).